The following is an entry in ClinVar:

NM_000138.5(FBN1):c.3299G>A (p.Gly1100Asp)

Gene: FBN1 (fibrillin 1; minus strand). Cytogenetic location: 15q21.1.
Variant type: single nucleotide variant.
Coding change: c.3299G>A on transcript NM_000138.5 (MANE Select); coding-DNA position 3299, G replaced by A.
Protein change: p.Gly1100Asp; replaces glycine 1100 with aspartic acid.
Molecular consequence: missense variant.
Genome position (GRCh38, 1-based): chr15:48,488,151, C>T on the plus strand (G>A on the coding strand, the complement: FBN1 is on the minus strand). VCF-style: chr15-48488151-C-T. GRCh37 (hg19) VCF-style: chr15-48780348-C-T.
Other names: c.3299G>A, p.Gly1100Asp (NM_001406716.1); short protein forms G1100D.
Identifiers: ClinVar variation 2929121 (VCV002929121.3), dbSNP rs112547596, ClinGen allele CA392327168.

ClinVar aggregate classification (germline): Pathogenic (1 of 4 stars; one submission).

Conditions:
Marfan syndrome (MFS). Also called: MARFAN SYNDROME, TYPE I; Marfan syndrome type 1; Marfan's syndrome; Marfan syndrome, classic; FBN1-Related Marfan Syndrome. Identifiers: Orphanet 284963, Orphanet 558, MedGen C0024796, MONDO:0007947, OMIM 154700.
Familial thoracic aortic aneurysm and aortic dissection (TAAD). Also called: Thoracic aortic aneurysms and dissections. Identifiers: Orphanet 91387, MedGen C4707243, MONDO:0019625.

Submission:

Labcorp Genetics (formerly Invitae), Labcorp
Classification: Pathogenic for Marfan syndrome; Familial thoracic aortic aneurysm and aortic dissection. Last evaluated: 2025-05-23. Review status: criteria provided, single submitter. Criteria: Invitae Variant Classification Sherloc (09022015). Collection method: clinical testing. Allele origin: germline.
Comment: This sequence change replaces glycine, which is neutral and non-polar, with aspartic acid, which is acidic and polar, at codon 1100 of the FBN1 protein (p.Gly1100Asp). This variant is not present in population databases (gnomAD no frequency). This missense change has been observed in individuals with clinical features of Marfan syndrome (PMID: 29768367; internal data). ClinVar contains an entry for this variant (Variation ID: 2929121). Invitae Evidence Modeling of protein sequence and biophysical properties (such as structural, functional, and spatial information, amino acid conservation, physicochemical variation, residue mobility, and thermodynamic stability) indicates that this missense variant is expected to disrupt FBN1 protein function with a positive predictive value of 95%. This variant disrupts the p.Gly1100 amino acid residue in FBN1. Other variant(s) that disrupt this residue have been observed in individuals with FBN1-related conditions (PMID: 15241795, 33483584), which suggests that this may be a clinically significant amino acid residue. For these reasons, this variant has been classified as Pathogenic.

Literature cited by the submitters: PubMed 29768367; PubMed 15241795; PubMed 33483584.